The following is an entry in ClinVar:

NM_014915.3(ANKRD26):c.2842A>G (p.Ile948Val)

Gene: ANKRD26 (ankyrin repeat domain containing 26; minus strand). Cytogenetic location: 10p12.1.
Variant type: single nucleotide variant.
Coding change: c.2842A>G on transcript NM_014915.3 (MANE Select); coding-DNA position 2842, A replaced by G.
Protein change: p.Ile948Val; replaces isoleucine 948 with valine.
Molecular consequence: missense variant.
Genome position (GRCh38, 1-based): chr10:27,035,608, T>C on the plus strand (A>G on the coding strand, the complement: ANKRD26 is on the minus strand). VCF-style: chr10-27035608-T-C. GRCh37 (hg19) VCF-style: chr10-27324537-T-C.
Other names: c.2839A>G, p.Ile947Val (NM_001256053.2); short protein forms I947V, I948V.
Identifiers: ClinVar variation 3915364 (VCV003915364.1).

ClinVar aggregate classification (germline): Uncertain significance (1 of 4 stars; one submission).

Conditions:
Inborn genetic diseases. Identifiers: MedGen C0950123, MeSH D030342.

gnomAD v4.1: 1 of 1,604,084 alleles (0.000062%); no homozygotes.

Submission:

Ambry Genetics
Classification: Uncertain significance for Inborn genetic diseases. Last evaluated: 2025-06-14. Review status: criteria provided, single submitter. Criteria: Ambry Variant Classification Scheme 2023. Collection method: clinical testing. Allele origin: germline.
Comment: The p.I948V variant (also known as c.2842A>G), located in coding exon 24 of the ANKRD26 gene, results from an A to G substitution at nucleotide position 2842. The isoleucine at codon 948 is replaced by valine, an amino acid with highly similar properties. This amino acid position is conserved. In addition, this alteration is predicted to be tolerated by in silico analysis. Based on the available evidence, the clinical significance of this variant remains unclear.